The following is an entry in ClinVar:

NM_004667.6(HERC2):c.6099C>T (p.Ile2033=)

Gene: HERC2 (HECT and RLD domain containing E3 ubiquitin protein ligase 2; minus strand). Cytogenetic location: 15q13.1.
Variant type: single nucleotide variant.
Coding change: c.6099C>T on transcript NM_004667.6 (MANE Select); coding-DNA position 6099, C replaced by T.
Protein change: p.Ile2033=; no amino-acid change (isoleucine 2033 retained).
Molecular consequence: synonymous variant.
Genome position (GRCh38, 1-based): chr15:28,215,732, G>A on the plus strand (C>T on the coding strand, the complement: HERC2 is on the minus strand). VCF-style: chr15-28215732-G-A. GRCh37 (hg19) VCF-style: chr15-28460878-G-A.
Identifiers: ClinVar variation 4534090 (VCV004534090.6).
Genomic context (GRCh38, chr15:28,215,732, plus strand): 5'-CATGAGCAGCGTGATCCACTGCGGGGAGCTGAGGGCGCCGCATACCTGCGGCGTGAGAGC[G>A]ATGCTCCGCACAAACCCCAGCGTGCACCAGCTCCGGTGTTGCTCCCTGTACACCAGCCTG-3'
Protein context (NP_004658.3, residues 2023-2043): SWCTLGFVRS[Ile2033=]ALTPQVCGAL

ClinVar aggregate classification (germline): Likely benign (1 of 4 stars; one submission).

gnomAD v4.1: 62 of 1,611,846 alleles (0.0038%); highest among the groups gnomAD compares: East Asian, 0.0067%; no homozygotes.

Submission:

CeGaT Center for Human Genetics Tuebingen
Classification: Likely benign. Last evaluated: 2025-11-01. Review status: criteria provided, single submitter. Criteria: CeGaT Center For Human Genetics Tuebingen Variant Classification Criteria Version 2. Collection method: clinical testing. Allele origin: germline. Affected: yes. Observed: 1 variant allele.
Comment: HERC2: BP4, BP7